The following is an entry in ClinVar:

ClinVar aggregate classification (germline): Uncertain significance (0 of 4 stars; one submission).

Conditions:
PEX6-related disorder. Also called: PEX6-related condition; PEX6-related disorders.

gnomAD v4.1: 1 of 1,613,168 alleles (0.000062%); highest among the groups gnomAD compares: Admixed American, 0.0017%; no homozygotes.

Submission:

PreventionGenetics, part of Exact Sciences
Classification: Uncertain significance for PEX6-related condition. Last evaluated: 2024-03-08. Review status: no assertion criteria provided. Collection method: clinical testing. Allele origin: germline.
Comment: The PEX6 c.1819G>T variant is predicted to result in the amino acid substitution p.Ala607Ser. To our knowledge, this variant has not been reported in the literature or in a large population database, indicating this variant is rare. At this time, the clinical significance of this variant is uncertain due to the absence of conclusive functional and genetic evidence.

NM_000287.4(PEX6):c.1819G>T (p.Ala607Ser)

Gene: PEX6 (peroxisomal biogenesis factor 6; minus strand). Cytogenetic location: 6p21.1.
Variant type: single nucleotide variant.
Coding change: c.1819G>T on transcript NM_000287.4 (MANE Select); coding-DNA position 1819, G replaced by T.
Protein change: p.Ala607Ser; replaces alanine 607 with serine.
Molecular consequence: missense variant. On other transcripts: non-coding transcript variant (1).
Genome position (GRCh38, 1-based): chr6:42,967,433, C>A on the plus strand (G>T on the coding strand, the complement: PEX6 is on the minus strand). VCF-style: chr6-42967433-C-A. GRCh37 (hg19) VCF-style: chr6-42935171-C-A.
Other names: c.1555G>T, p.Ala519Ser (NM_001316313.2); short protein forms A519S, A607S.
Identifiers: ClinVar variation 3353896 (VCV003353896.1).
Genomic context (GRCh38, chr6:42,967,433, plus strand): 5'-ACCGCCGTGCTAGCTGTGCCAAGTTCACCTCCTGGCCCAGGGGAAGGTGGGCAGTGAGGG[C>A]CCGCAGGATGCTGAGCCGCTGCCCCTCTGACAGAGCAGGCACCTCGAGCTCATGAGGAAA-3'
Protein context (NP_000278.3, residues 597-617): SEGQRLSILR[Ala607Ser]LTAHLPLGQE